The following is an entry in ClinVar:

NM_024580.6(EFL1):c.2041A>G (p.Ile681Val)

Gene: EFL1 (elongation factor like GTPase 1; minus strand). Cytogenetic location: 15q25.2.
Variant type: single nucleotide variant.
Coding change: c.2041A>G on transcript NM_024580.6 (MANE Select); coding-DNA position 2041, A replaced by G.
Protein change: p.Ile681Val; replaces isoleucine 681 with valine.
Molecular consequence: missense variant. On other transcripts: non-coding transcript variant (1).
Genome position (GRCh38, 1-based): chr15:82,152,413, T>C on the plus strand (A>G on the coding strand, the complement: EFL1 is on the minus strand). VCF-style: chr15-82152413-T-C. GRCh37 (hg19) VCF-style: chr15-82444754-T-C.
Other names: c.1888A>G, p.Ile630Val (NM_001040610.3); c.1252A>G, p.Ile418Val (NM_001322844.2); c.2041A>G, p.Ile681Val (NM_001322845.2); short protein forms I418V, I681V, I630V.
Identifiers: ClinVar variation 816925 (VCV000816925.5), dbSNP rs1595945072, ClinGen allele CA393289163.

ClinVar aggregate classification (germline): Uncertain significance. Review status: criteria provided, multiple submitters, no conflicts (2 of 4 stars). 2 submissions from 2 submitters: Uncertain significance (2). Last evaluated 2022-10-05.

Conditions:
Immunodeficiency. Identifiers: MedGen C0021051, MONDO:0021094, HP:0002721.

Submissions (2):

Labcorp Genetics (formerly Invitae), Labcorp
Classification: Uncertain significance. Last evaluated: 2022-10-05. Review status: criteria provided, single submitter. Criteria: Invitae Variant Classification Sherloc (09022015). Collection method: clinical testing. Allele origin: germline.
Comment: In summary, the available evidence is currently insufficient to determine the role of this variant in disease. Therefore, it has been classified as a Variant of Uncertain Significance. Algorithms developed to predict the effect of sequence changes on RNA splicing suggest that this variant may create or strengthen a splice site. Advanced modeling of protein sequence and biophysical properties (such as structural, functional, and spatial information, amino acid conservation, physicochemical variation, residue mobility, and thermodynamic stability) performed at Invitae indicates that this missense variant is not expected to disrupt EFL1 protein function. ClinVar contains an entry for this variant (Variation ID: 816925). This variant has not been reported in the literature in individuals affected with EFL1-related conditions. This variant is not present in population databases (gnomAD no frequency). This sequence change replaces isoleucine, which is neutral and non-polar, with valine, which is neutral and non-polar, at codon 681 of the EFL1 protein (p.Ile681Val).

Genomic Medicine Lab, University of California San Francisco
Classification: Uncertain significance for Immunodeficiency. Last evaluated: 2018-12-20. Review status: criteria provided, single submitter. Criteria: ACMG Guidelines, 2015. Collection method: clinical testing. Allele origin: inherited. Inheritance: Autosomal recessive inheritance. Study: CSER.